The following is an entry in ClinVar:

ClinVar aggregate classification (germline): Uncertain significance. Review status: criteria provided, multiple submitters, no conflicts (2 of 4 stars). 2 submissions from 2 submitters: Uncertain significance (2). Last evaluated 2025-07-23.

Conditions:
Medulloblastoma (MDB). Also called: MEDULLOBLASTOMA PREDISPOSITION SYNDROME; Medulloblastoma, somatic. Identifiers: Orphanet 616, MedGen C0025149, MeSH D008527, MONDO:0007959, OMIM 155255, HP:0002885.
Gorlin syndrome. Also called: Nevoid Basal Cell Carcinoma Syndrome; Basal cell nevus syndrome. Identifiers: Orphanet 377, MedGen C0004779, MONDO:0007187.
Hereditary cancer-predisposing syndrome. Also called: Neoplastic Syndromes, Hereditary; Tumor predisposition; Hereditary neoplastic syndrome; Hereditary Cancer Syndrome. Identifiers: Orphanet 140162, MedGen C0027672, MeSH D009386, MONDO:0015356.

Submissions (2):

Ambry Genetics
Classification: Uncertain significance for Hereditary cancer-predisposing syndrome. Last evaluated: 2025-07-23. Review status: criteria provided, single submitter. Criteria: Ambry Variant Classification Scheme 2023. Collection method: clinical testing. Allele origin: germline.
Comment: The c.154_155delCTinsAC variant (also known as p.L52T), located in coding exon 1 of the SUFU gene, results from an in-frame deletion of CT and insertion of AC at nucleotide positions 154 to 155. This results in the substitution of the leucine residue for a threonine residue at codon 52, an amino acid with similar properties. This amino acid position is highly conserved in available vertebrate species. Based on the available evidence, the clinical significance of this variant remains unclear.

Labcorp Genetics (formerly Invitae), Labcorp
Classification: Uncertain significance for Gorlin syndrome; Medulloblastoma. Last evaluated: 2020-12-27. Review status: criteria provided, single submitter. Criteria: Invitae Variant Classification Sherloc (09022015). Collection method: clinical testing. Allele origin: germline.
Comment: In summary, the available evidence is currently insufficient to determine the role of this variant in disease. Therefore, it has been classified as a Variant of Uncertain Significance. This sequence change replaces leucine with threonine at codon 52 of the SUFU protein (p.Leu52Thr). The leucine residue is highly conserved and there is a moderate physicochemical difference between leucine and threonine. The frequency data for this variant in the population databases is not available, as this variant may be reported as separate entries in the ExAC database. This variant has not been reported in the literature in individuals with SUFU-related conditions. Algorithms developed to predict the effect of missense changes on protein structure and function are either unavailable or do not agree on the potential impact of this missense change (SIFT: "Not Available"; PolyPhen-2: "Probably Damaging"; Align-GVGD: "Not Available").

NM_016169.4(SUFU):c.154_155delinsAC (p.Leu52Thr)

Gene: SUFU (SUFU negative regulator of hedgehog signaling; plus strand). Cytogenetic location: 10q24.32.
Variant type: Indel.
Coding change: c.154_155delinsAC on transcript NM_016169.4 (MANE Select); coding-DNA positions 154 to 155, CT replaced by AC.
Protein change: p.Leu52Thr; replaces leucine 52 with threonine.
Molecular consequence: missense variant.
Genome position (GRCh38, 1-based): chr10:102,504,306-102,504,307, CT replaced by AC. VCF-style: chr10-102504306-CT-AC. GRCh37 (hg19) VCF-style: chr10-104264063-CT-AC.
Other names: c.154_155delinsAC, p.Leu52Thr (NM_001178133.2); c.154_155delCTinsAC (NM_016169.3); short protein forms L52T.
Identifiers: ClinVar variation 1487524 (VCV001487524.7), dbSNP rs2135598653, ClinGen allele CA2573145482.